The following is an entry in ClinVar:

ClinVar aggregate classification (germline): Conflicting classifications of pathogenicity. Review status: criteria provided, conflicting classifications (1 of 4 stars). 6 submissions from 6 submitters: Uncertain significance (3); Likely benign (2). 1 of the submissions does not count toward it. Last evaluated 2026-01-11.

Conditions:
Cerebral palsy, spastic quadriplegic, 2 (CPSQ2). Identifiers: Orphanet 210141, MedGen C2752061, MONDO:0013033, OMIM 612900.
Intellectual disability. Also called: intellectual disabilities; Intellectual functioning disability; Intellectual developmental disorder. Identifiers: MedGen C3714756, MeSH D008607, MONDO:0001071, HP:0001249.
KANK1-related disorder. Also called: KANK1-related condition.

Allele frequency attached by ClinVar (database versions not stated): 1000 Genomes Project 0.00020; 1000 Genomes Project 30x 0.00031; gnomAD 0.00082 and 0.00086; gnomAD exomes 0.00096 and 0.00144; TOPMed 0.00096; ExAC 0.00116; ESP Exome Variant Server 0.00123.
gnomAD v4.1: 2,216 of 1,613,938 alleles (0.14%); highest among the groups gnomAD compares: Non-Finnish European, 0.17%; 4 homozygotes.

Submissions (6):

Labcorp Genetics (formerly Invitae), Labcorp
Classification: Uncertain significance. Last evaluated: 2026-01-11. Review status: criteria provided, single submitter. Criteria: Invitae Variant Classification Sherloc (09022015). Collection method: clinical testing. Allele origin: germline.
Comment: This sequence change replaces alanine, which is neutral and non-polar, with aspartic acid, which is acidic and polar, at codon 654 of the KANK1 protein (p.Ala654Asp). This variant is present in population databases (rs148744436, gnomAD 0.2%), and has an allele count higher than expected for a pathogenic variant. This variant has not been reported in the literature in individuals affected with KANK1-related conditions. ClinVar contains an entry for this variant (Variation ID: 1428225). Invitae Evidence Modeling of protein sequence and biophysical properties (such as structural, functional, and spatial information, amino acid conservation, physicochemical variation, residue mobility, and thermodynamic stability) indicates that this missense variant is not expected to disrupt KANK1 protein function with a negative predictive value of 80%. In summary, the available evidence is currently insufficient to determine the role of this variant in disease. Therefore, it has been classified as a Variant of Uncertain Significance.

CeGaT Center for Human Genetics Tuebingen
Classification: Likely benign. Last evaluated: 2025-10-01. Review status: criteria provided, single submitter. Criteria: CeGaT Center For Human Genetics Tuebingen Variant Classification Criteria Version 2. Collection method: clinical testing. Allele origin: germline. Affected: yes. Observed: 2 variant alleles.
Comment: KANK1: BP4

Blueprint Genetics
Classification: Likely benign. Last evaluated: 2024-11-19. Review status: criteria provided, single submitter. Criteria: ACMG Guidelines, 2015. Collection method: clinical testing. Allele origin: germline.

Ambry Genetics
Classification: Uncertain significance. Last evaluated: 2022-04-13. Review status: criteria provided, single submitter. Criteria: Ambry Variant Classification Scheme 2023. Collection method: clinical testing. Allele origin: germline.

Breakthrough Genomics
Classification: Uncertain significance. Review status: criteria provided, single submitter. Criteria: ACMG Guidelines, 2015. Collection method: not provided. Allele origin: germline. Inheritance: Autosomal recessive inheritance. Affected: yes.

PreventionGenetics, part of Exact Sciences
Classification: Likely benign for KANK1-related condition. Last evaluated: 2022-02-28. Review status: no assertion criteria provided. Collection method: clinical testing. Allele origin: germline. Not counted in ClinVar's aggregate classification.
Comment: This variant is classified as likely benign based on ACMG/AMP sequence variant interpretation guidelines (Richards et al. 2015 PMID: 25741868, with internal and published modifications).

NM_015158.5(KANK1):c.1961C>A (p.Ala654Asp)

Gene: KANK1 (KN motif and ankyrin repeat domains 1; plus strand). Cytogenetic location: 9p24.3.
Variant type: single nucleotide variant.
Coding change: c.1961C>A on transcript NM_015158.5 (MANE Select); coding-DNA position 1961, C replaced by A.
Protein change: p.Ala654Asp; replaces alanine 654 with aspartic acid.
Molecular consequence: missense variant. On other transcripts: non-coding transcript variant (1).
Genome position (GRCh38, 1-based): chr9:712,727, C>A. VCF-style: chr9-712727-C-A. GRCh37 (hg19) VCF-style: chr9-712727-C-A.
Other names: c.1961C>A, p.Ala654Asp (NM_001256876.3, NM_001256877.3, NM_001354331.2 and 2 more transcripts); c.1487C>A, p.Ala496Asp (NM_001354333.2, NM_001354335.2, NM_001354336.2 and 9 more transcripts); c.1961C>A (NM_015158.3, NM_015158.2); short protein forms A496D, A654D.
Identifiers: ClinVar variation 1428225 (VCV001428225.27), dbSNP rs148744436, ClinGen allele CA4960376.